The following is an entry in ClinVar:

ClinVar aggregate classification (germline): Likely pathogenic (1 of 4 stars; one submission).

Conditions:
Holoprosencephaly 3 (HPE3). Identifiers: Orphanet 2162, MedGen C1840529, MONDO:0007733, OMIM 142945.

Submission:

Laboratory of Molecular Genetics, CHU Rennes
Classification: Likely pathogenic for Holoprosencephaly 3. Last evaluated: 2025-02-27. Review status: criteria provided, single submitter. Criteria: ACMG Guidelines, 2015. Collection method: clinical testing. Allele origin: de novo. Inheritance: Autosomal dominant inheritance. Affected: yes.
Comment: The NM_000193.4:c.439G>A, is a missense variant in SHH in the Hedgehog domain (PM1), absent from controls (PM2), predicted pathogenic by prediction tools (PP3) and occurred de novo (PS2). In summary, this variant meets criteria to be classified as likely pathogenic for holoprosencephaly based on the ACMG criteria applied.

NM_000193.4(SHH):c.439G>A (p.Asp147Asn)

Gene: SHH (sonic hedgehog signaling molecule; minus strand). Cytogenetic location: 7q36.3.
Variant type: single nucleotide variant.
Coding change: c.439G>A on transcript NM_000193.4 (MANE Select); coding-DNA position 439, G replaced by A.
Protein change: p.Asp147Asn; replaces aspartic acid 147 with asparagine.
Molecular consequence: missense variant. On other transcripts: non-coding transcript variant (2).
Genome position (GRCh38, 1-based): chr7:155,806,419, C>T on the plus strand (G>A on the coding strand, the complement: SHH is on the minus strand). VCF-style: chr7-155806419-C-T. GRCh37 (hg19) VCF-style: chr7-155599113-C-T.
Other names: c.178G>A, p.Asp60Asn (NM_001310462.2); short protein forms D147N, D60N.
Identifiers: ClinVar variation 3775139 (VCV003775139.1).
Genomic context (GRCh38, chr7:155,806,419, plus strand): 5'-CCACCGCCAGGCGGGCCAGCATGCCGTACTTGCTGCGGTCGCGGTCAGACGTGGTGATGT[C>T]CACTGCGCGGCCCTCGTAGTGCAGAGACTCCTCTGAGTGGTGGCCATCTTCGTCCCAGCC-3'
Protein context (NP_000184.1, residues 137-157): ESLHYEGRAV[Asp147Asn]ITTSDRDRSK